The following is an entry in ClinVar:

NM_004329.3(BMPR1A):c.680A>G (p.Gln227Arg)

Gene: BMPR1A (bone morphogenetic protein receptor type 1A; plus strand). Cytogenetic location: 10q23.2.
Variant type: single nucleotide variant.
Coding change: c.680A>G on transcript NM_004329.3 (MANE Select); coding-DNA position 680, A replaced by G.
Protein change: p.Gln227Arg; replaces glutamine 227 with arginine.
Molecular consequence: missense variant.
Genome position (GRCh38, 1-based): chr10:86,917,138, A>G. VCF-style: chr10-86917138-A-G. GRCh37 (hg19) VCF-style: chr10-88676895-A-G.
Other names: c.755A>G, p.Gln252Arg (NM_001406559.1); c.728A>G, p.Gln243Arg (NM_001406560.1); c.680A>G, p.Gln227Arg (NM_001406561.1, NM_001406562.1, NM_001406563.1 and 19 more transcripts); c.596A>G, p.Gln199Arg (NM_001406584.1, NM_001406585.1, NM_001406586.1 and 2 more transcripts); c.338A>G, p.Gln113Arg (NM_001406589.1); short protein forms Q113R, Q199R, Q252R, Q227R, Q243R.
Identifiers: ClinVar variation 2011231 (VCV002011231.4), dbSNP rs2539602424, ClinGen allele CA377456864.
Genomic context (GRCh38, chr10:86,917,138, plus strand): 5'-AGTCTTAATGGGTTTCTTTCATCAAGAGCTCAAACCTTTTACTTTTTTCTATAAAGGTTC[A>G]GCGAACTATTGCCAAACAGATTCAGATGGTCCGGCAAGTTGGTAAAGGCCGATATGGAGA-3'
Protein context (NP_004320.2, residues 217-237): GSGSGLPLLV[Gln227Arg]RTIAKQIQMV

ClinVar aggregate classification (germline): Uncertain significance (1 of 4 stars; one submission).

Conditions:
Juvenile polyposis syndrome (JPS). Identifiers: Orphanet 2929, MedGen C0345893, MONDO:0017380, OMIM 174900.

Submission:

Labcorp Genetics (formerly Invitae), Labcorp
Classification: Uncertain significance for Juvenile polyposis syndrome. Last evaluated: 2022-06-26. Review status: criteria provided, single submitter. Criteria: Invitae Variant Classification Sherloc (09022015). Collection method: clinical testing. Allele origin: germline.
Comment: In summary, the available evidence is currently insufficient to determine the role of this variant in disease. Therefore, it has been classified as a Variant of Uncertain Significance. Advanced modeling of protein sequence and biophysical properties (such as structural, functional, and spatial information, amino acid conservation, physicochemical variation, residue mobility, and thermodynamic stability) performed at Invitae indicates that this missense variant is expected to disrupt BMPR1A protein function. This variant has not been reported in the literature in individuals affected with BMPR1A-related conditions. This variant is not present in population databases (gnomAD no frequency). This sequence change replaces glutamine, which is neutral and polar, with arginine, which is basic and polar, at codon 227 of the BMPR1A protein (p.Gln227Arg).